The following is an entry in ClinVar:

NM_005247.4(FGF3):c.283C>T (p.Arg95Trp)

Gene: FGF3 (fibroblast growth factor 3; minus strand). Cytogenetic location: 11q13.3.
Variant type: single nucleotide variant.
Coding change: c.283C>T on transcript NM_005247.4 (MANE Select); coding-DNA position 283, C replaced by T.
Protein change: p.Arg95Trp; replaces arginine 95 with tryptophan.
Molecular consequence: missense variant.
Genome position (GRCh38, 1-based): chr11:69,816,361, G>A on the plus strand (C>T on the coding strand, the complement: FGF3 is on the minus strand). VCF-style: chr11-69816361-G-A. GRCh37 (hg19) VCF-style: chr11-69631129-G-A.
Other names: short protein forms R95W.
Identifiers: ClinVar variation 38385 (VCV000038385.21), dbSNP rs281860303, ClinGen allele CA343027.

ClinVar aggregate classification (germline): Pathogenic/Likely pathogenic. Review status: criteria provided, multiple submitters, no conflicts (2 of 4 stars). 7 submissions from 7 submitters: Pathogenic (2); Likely pathogenic (1). 4 of the submissions do not count toward it. Last evaluated 2025-08-28.

Conditions:
FGF3-related disorder. Also called: FGF3-related condition.
Deafness with labyrinthine aplasia, microtia, and microdontia. Also called: DEAFNESS WITH LAMM; DEAFNESS, CONGENITAL, WITH LABYRINTHINE APLASIA, MICROTIA, AND MICRODONTIA; Congenital Deafness with Inner Ear Agenesis, Microtia, and Microdontia. Identifiers: Orphanet 90024, MedGen C1853144, MONDO:0012541, OMIM 610706.

Allele frequency attached by ClinVar (database versions not stated): ExAC 0.00001; gnomAD 0.00001; TOPMed 0.00002.

Submissions (7):

GeneDx
Classification: Pathogenic. Last evaluated: 2025-08-28. Review status: criteria provided, single submitter. Criteria: GeneDx Variant Classification Process June 2021. Collection method: clinical testing. Allele origin: germline. Affected: yes.
Comment: Not observed at significant frequency in large population cohorts (gnomAD); In silico analysis supports that this missense variant has a deleterious effect on protein structure/function; This variant is associated with the following publications: (PMID: 19950373, 22993869, 38378725, 36934406, 35150601, 39483301, 37811145, DomnguezJimnez2021[CaseReport], Malik2024[Abstract], 21306635, 31336982)

Labcorp Genetics (formerly Invitae), Labcorp
Classification: Pathogenic. Last evaluated: 2024-03-02. Review status: criteria provided, single submitter. Criteria: Invitae Variant Classification Sherloc (09022015). Collection method: clinical testing. Allele origin: germline.
Comment: This sequence change replaces arginine, which is basic and polar, with tryptophan, which is neutral and slightly polar, at codon 95 of the FGF3 protein (p.Arg95Trp). This variant is present in population databases (rs281860303, gnomAD 0.003%). This missense change has been observed in individuals with clinical features of labyrinthine aplasia, microtia, and microdontia (LAMM) syndrome (PMID: 19950373, 21306635, 31336982). It has also been observed to segregate with disease in related individuals. This variant is also known as c.284C>T. ClinVar contains an entry for this variant (Variation ID: 38385). An algorithm developed to predict the effect of missense changes on protein structure and function (PolyPhen-2) suggests that this variant is likely to be disruptive. For these reasons, this variant has been classified as Pathogenic.

Eurofins Ntd Llc (ga)
Classification: Likely pathogenic. Last evaluated: 2017-11-28. Review status: criteria provided, single submitter. Criteria: EGL Classification Definitions 2015. Collection method: clinical testing. Allele origin: germline. Observed: 1 variant allele, 1 heterozygote.

PreventionGenetics, part of Exact Sciences
Classification: Pathogenic for FGF3-related condition. Last evaluated: 2024-01-10. Review status: no assertion criteria provided. Collection method: clinical testing. Allele origin: germline. Not counted in ClinVar's aggregate classification.
Comment: The FGF3 c.283C>T variant is predicted to result in the amino acid substitution p.Arg95Trp. This variant was reported in multiple individuals with labyrinthine aplasia, microtia and microdontia (LAMM syndrome; OMIM #610706) (Ramsebner et al. 2009. PubMed ID: 19950373; Al Yassin et al. 2019. PubMed ID: 31336982; Riazuddin et al. 2011. PubMed ID: 21306635). This variant is reported in 0.0033% of alleles in individuals of South Asian descent in gnomAD. This variant is interpreted as pathogenic.

Clinical Genetics DNA and cytogenetics Diagnostics Lab, Erasmus MC, Erasmus Medical Center
Classification: Likely pathogenic. Review status: no assertion criteria provided. Collection method: clinical testing. Allele origin: germline. Affected: yes. Study: VKGL Data-share Consensus. Not counted in ClinVar's aggregate classification.

GeneReviews
No classification provided. Condition: Deafness with labyrinthine aplasia, microtia, and microdontia. Review status: no classification provided. Collection method: literature only. Allele origin: unknown. Not counted in ClinVar's aggregate classification.

Joint Genome Diagnostic Labs from Nijmegen and Maastricht, Radboudumc and MUMC+
Classification: Likely pathogenic. Review status: no assertion criteria provided. Collection method: clinical testing. Allele origin: germline. Affected: yes. Study: VKGL Data-share Consensus. Not counted in ClinVar's aggregate classification.

Literature cited by the submitters: PubMed 19950373 (cited by Labcorp Genetics (formerly Invitae), Labcorp and Eurofins Ntd Llc (ga)); PubMed 21306635 (cited by Labcorp Genetics (formerly Invitae), Labcorp and Eurofins Ntd Llc (ga)); PubMed 31336982 (cited by Labcorp Genetics (formerly Invitae), Labcorp); PubMed 22993869 (cited by GeneReviews); NCBI Bookshelf NBK100664 (cited by GeneReviews).